The following is an entry in ClinVar:

NM_001286.5(CLCN6):c.361A>C (p.Ser121Arg)

Gene: CLCN6 (chloride voltage-gated channel 6; plus strand). Cytogenetic location: 1p36.22.
Variant type: single nucleotide variant.
Coding change: c.361A>C on transcript NM_001286.5 (MANE Select); coding-DNA position 361, A replaced by C.
Protein change: p.Ser121Arg; replaces serine 121 with arginine.
Molecular consequence: missense variant. On other transcripts: non-coding transcript variant (1).
Genome position (GRCh38, 1-based): chr1:11,822,709, A>C. VCF-style: chr1-11822709-A-C. GRCh37 (hg19) VCF-style: chr1-11882766-A-C.
Other names: c.295A>C, p.Ser99Arg (NM_001256959.2); short protein forms S99R, S121R.
Identifiers: ClinVar variation 2270019 (VCV002270019.6), dbSNP rs556415452, ClinGen allele CA338427105.

ClinVar aggregate classification (germline): Uncertain significance. Review status: criteria provided, multiple submitters, no conflicts (2 of 4 stars). 2 submissions from 2 submitters: Uncertain significance (2). Last evaluated 2024-11-24.

Submissions (2):

Ambry Genetics
Classification: Uncertain significance. Last evaluated: 2024-11-24. Review status: criteria provided, single submitter. Criteria: Ambry Variant Classification Scheme 2023. Collection method: clinical testing. Allele origin: germline.

Labcorp Genetics (formerly Invitae), Labcorp
Classification: Uncertain significance. Last evaluated: 2024-01-10. Review status: criteria provided, single submitter. Criteria: Invitae Variant Classification Sherloc (09022015). Collection method: clinical testing. Allele origin: germline.
Comment: This sequence change replaces serine, which is neutral and polar, with arginine, which is basic and polar, at codon 121 of the CLCN6 protein (p.Ser121Arg). This variant is present in population databases (no rsID available, gnomAD 0.0009%). This variant has not been reported in the literature in individuals affected with CLCN6-related conditions. ClinVar contains an entry for this variant (Variation ID: 2270019). An algorithm developed to predict the effect of missense changes on protein structure and function (PolyPhen-2) suggests that this variant is likely to be tolerated. In summary, the available evidence is currently insufficient to determine the role of this variant in disease. Therefore, it has been classified as a Variant of Uncertain Significance.